The following is an entry in ClinVar:

NM_001009944.3(PKD1):c.8123C>T (p.Thr2708Met)

Gene: PKD1 (polycystin 1, transient receptor potential channel interacting; minus strand). Cytogenetic location: 16p13.3.
Variant type: single nucleotide variant.
Coding change: c.8123C>T on transcript NM_001009944.3 (MANE Select); coding-DNA position 8123, C replaced by T.
Protein change: p.Thr2708Met; replaces threonine 2708 with methionine.
Molecular consequence: missense variant.
Genome position (GRCh38, 1-based): chr16:2,104,536, G>A on the plus strand (C>T on the coding strand, the complement: PKD1 is on the minus strand). VCF-style: chr16-2104536-G-A. GRCh37 (hg19) VCF-style: chr16-2154537-G-A.
Other names: c.8123C>T, p.Thr2708Met (NM_000296.4); short protein forms T2708M.
Identifiers: ClinVar variation 257011 (VCV000257011.52), dbSNP rs147350387, ClinGen allele CA7830715.
Genomic context (GRCh38, chr16:2,104,536, plus strand): 5'-CATGGGGCACGGGCCGCGGCACCTGTGATGTTGAGGATGCTGTCTCCGATGGCGGTGGGC[G>A]TCACGGTGCCCGCGGTGGTCTCTGCCTGCAGGATGAGCATCATGGCCTCCAGCTTGTGCA-3'
Protein context (NP_001009944.3, residues 2698-2718): LQAETTAGTV[Thr2708Met]PTAIGDSILN

ClinVar aggregate classification (germline): Benign/Likely benign. Review status: criteria provided, multiple submitters, no conflicts (2 of 4 stars). 14 submissions from 14 submitters: Benign (6); Likely benign (4). 4 of the submissions do not count toward it. Last evaluated 2026-03-01.

Conditions:
PKD1-related disorder. Also called: PKD1-related condition.
Autosomal dominant polycystic kidney disease. Identifiers: Orphanet 730, MedGen C0085413, MONDO:0004691.
Polycystic kidney disease, adult type (PKD1). Also called: POLYCYSTIC KIDNEY DISEASE 1 WITH OR WITHOUT POLYCYSTIC LIVER DISEASE; Polycystic Kidney Disease 1, Autosomal Dominant; Polycystic kidney disease 1; Polycystic kidney disease 1, severe; Polycystic Kidney, Autosomal Dominant; POLYCYSTIC KIDNEY DISEASE, ADULT, TYPE I. Identifiers: MedGen C3149841, MONDO:0008263, OMIM 173900.
Polycystic kidney disease. Also called: Kidney, Polycystic; Polycystic kidney dysplasia. Identifiers: MedGen C0022680, MeSH D007690, MONDO:0020642, HP:0000113.

Allele frequency attached by ClinVar (database versions not stated): ESP Exome Variant Server 0.01143; gnomAD 0.01147 and 0.01193; gnomAD exomes 0.01596 and 0.00968; 1000 Genomes Project 30x 0.00390; 1000 Genomes Project 0.00399; ExAC 0.00667; TOPMed 0.01036.
gnomAD v4.1: 24,262 of 1,573,306 alleles (1.5%); highest among the groups gnomAD compares: Non-Finnish European, 1.9%; 229 homozygotes.

Submissions (14):

CeGaT Center for Human Genetics Tuebingen
Classification: Benign. Last evaluated: 2026-03-01. Review status: criteria provided, single submitter. Criteria: CeGaT Center For Human Genetics Tuebingen Variant Classification Criteria Version 2. Collection method: clinical testing. Allele origin: germline. Affected: yes. Observed: 15 variant alleles.
Comment: PKD1: BS1, BS2

Women's Health and Genetics/Laboratory Corporation of America, LabCorp
Classification: Likely benign. Last evaluated: 2025-06-09. Review status: criteria provided, single submitter. Criteria: LabCorp Variant Classification Summary - May 2015. Collection method: clinical testing. Allele origin: germline.

Blueprint Genetics
Classification: Benign. Last evaluated: 2024-11-27. Review status: criteria provided, single submitter. Criteria: ACMG Guidelines, 2015. Collection method: clinical testing. Allele origin: germline.

Mayo Clinic Laboratories, Mayo Clinic
Classification: Benign. Last evaluated: 2023-09-19. Review status: criteria provided, single submitter. Criteria: ACMG Guidelines, 2015. Collection method: clinical testing. Allele origin: germline. Observed: 24 variant alleles.
Comment: BS1, BS2

Fulgent Genetics
Classification: Likely benign for Polycystic kidney disease, adult type. Last evaluated: 2022-04-07. Review status: criteria provided, single submitter. Criteria: ACMG Guidelines, 2015. Collection method: clinical testing. Allele origin: unknown.

ARUP Laboratories, Molecular Genetics and Genomics, ARUP Laboratories
Classification: Benign for Polycystic kidney disease, adult type. Last evaluated: 2020-02-20. Review status: criteria provided, single submitter. Criteria: ARUP Molecular Germline Variant Investigation Process. Collection method: clinical testing. Allele origin: germline.

GeneDx
Classification: Benign. Last evaluated: 2020-02-11. Review status: criteria provided, single submitter. Criteria: GeneDx Variant Classification Process June 2021. Collection method: clinical testing. Allele origin: germline. Affected: yes.
Comment: This variant is associated with the following publications: (PMID: 27499327, 24374109)

Molecular Genetics of Inherited Kidney Disorders Laboratory, Garvan Institute of Medical Research
Classification: Likely benign for Autosomal dominant polycystic kidney disease. Last evaluated: 2019-01-01. Review status: criteria provided, single submitter. Criteria: ACMG Guidelines, 2015. Collection method: research. Allele origin: germline. Affected: yes.

Athena Diagnostics
Classification: Benign. Last evaluated: 2018-07-17. Review status: criteria provided, single submitter. Criteria: Athena Diagnostics Criteria. Collection method: clinical testing. Allele origin: germline.

Breakthrough Genomics
Classification: Likely benign. Review status: criteria provided, single submitter. Criteria: ACMG Guidelines, 2015. Collection method: not provided. Allele origin: germline. Inheritance: Autosomal dominant inheritance. Affected: yes.

PreventionGenetics, part of Exact Sciences
Classification: Benign for PKD1-related condition. Last evaluated: 2019-10-09. Review status: no assertion criteria provided. Collection method: clinical testing. Allele origin: germline. Not counted in ClinVar's aggregate classification.
Comment: This variant is classified as benign based on ACMG/AMP sequence variant interpretation guidelines (Richards et al. 2015 PMID: 25741868, with internal and published modifications).

Department of Pathology and Laboratory Medicine, Sinai Health System
Classification: Likely benign for Polycystic Kidney disease. Review status: no assertion criteria provided. Collection method: clinical testing. Allele origin: unknown. Affected: yes. Observed: 7 variant alleles. Study: The Canadian Open Genetics Repository (COGR). Not counted in ClinVar's aggregate classification.
Comment: The PKD1 p.Thr2708Met variant was identified in 10 of 1016 proband chromosomes (frequency: 0.01) from individuals or families with ADPKD (classified as a polymorphism) and was not identified in 100 control chromosomes from healthy individuals (Bataille 2011, Garcia-Gonzalez 2007, Rossetti 2001, Rossetti 2012). The variant was also identified in dbSNP (ID: rs147350387) as â€šÃ„ÃºN/Aâ€šÃ„Ã¹. The variant was identified in the 1000 Genomes Project in 20 of 5000 chromosomes (frequency: 0.004); in NHLBI GO Exome Sequencing Project in 129 of 8168 European American (frequency: 0.016) and 11 of 4082 African American (frequency: 0.0027) alleles. In the Exome Aggregation Consortium database (March 14, 2016) in 114 of 17104 chromosomes of which 1 was homozygous (frequency: 0.00666) in the following populations: 101 of 6264 European (Non-Finnish) â€šÃ„Ã¬ frequency 0.01612; 6 of 7956 South Asian- frequency 0.0007541; 3 of 490 Latinos- frequency 0.006122; 2 of 60 Finnish - frequency 0.03333; 1 of 1246 African - frequency 0.0008026 and 1 of 164 Other- frequency: 0.006098) alleles. The variant was identified in ADPKD Mutation Database classified as likely neutral. The p.Thr2708 residue is conserved across mammals and other organisms, and computational analyses (PolyPhen-2, SIFT, AlignGVGD, BLOSUM, MutationTaster) suggest that the variant may impact the protein; however, this information is not predictive enough to assume pathogenicity. The variant occurs outside of the splicing consensus sequence and in silico or computational prediction software programs (SpliceSiteFinder, MaxEntScan, NNSPLICE, GeneSplicer, HumanSpliceFinder) do not predict a difference in splicing. In summary, based on the above information, the clinical significance of this variant cannot be determined with certainty at this time although we would lean towards a more benign role for this variant. This variant is classified as likely benign.

Genome Diagnostics Laboratory, University Medical Center Utrecht
Classification: Benign. Review status: no assertion criteria provided. Collection method: clinical testing. Allele origin: germline. Affected: yes. Study: VKGL Data-share Consensus. Not counted in ClinVar's aggregate classification.

Laboratory of Diagnostic Genome Analysis, Leiden University Medical Center (LUMC)
Classification: Likely benign. Review status: no assertion criteria provided. Collection method: clinical testing. Allele origin: germline. Affected: yes. Study: VKGL Data-share Consensus. Not counted in ClinVar's aggregate classification.

Literature cited by the submitters: PubMed 18837007 (cited by Athena Diagnostics); PubMed 24374109 (cited by Athena Diagnostics); PubMed 27499327 (cited by Athena Diagnostics).